The following is an entry in ClinVar:

NM_153033.5(KCTD7):c.670C>T (p.His224Tyr)

Gene: KCTD7 (potassium channel tetramerization domain containing 7; plus strand). Cytogenetic location: 7q11.21.
Variant type: single nucleotide variant.
Coding change: c.670C>T on transcript NM_153033.5 (MANE Select); coding-DNA position 670, C replaced by T.
Protein change: p.His224Tyr; replaces histidine 224 with tyrosine.
Molecular consequence: missense variant.
Genome position (GRCh38, 1-based): chr7:66,639,032, C>T. VCF-style: chr7-66639032-C-T. GRCh37 (hg19) VCF-style: chr7-66104019-C-T.
Other names: c.670C>T, p.His224Tyr (NM_001167961.2); short protein forms H224Y.
Identifiers: ClinVar variation 2632707 (VCV002632707.2), dbSNP rs1313716538, ClinGen allele CA367697181.

ClinVar aggregate classification (germline): Uncertain significance. Review status: criteria provided, multiple submitters, no conflicts (2 of 4 stars). 2 submissions from 2 submitters: Uncertain significance (2). Last evaluated 2025-08-07.

Conditions:
KCTD7-related disorder. Also called: KCTD7-related condition.
Inborn genetic diseases. Identifiers: MedGen C0950123, MeSH D030342.

Allele frequency attached by ClinVar (database versions not stated): TOPMed below 0.00001; gnomAD 0.00001; gnomAD exomes 0.00001.

Submissions (2):

Ambry Genetics
Classification: Uncertain significance for Inborn genetic diseases. Last evaluated: 2025-08-07. Review status: criteria provided, single submitter. Criteria: Ambry Variant Classification Scheme 2023. Collection method: clinical testing. Allele origin: germline.

PreventionGenetics, part of Exact Sciences
Classification: Uncertain significance for KCTD7-related condition. Last evaluated: 2023-05-21. Review status: criteria provided, single submitter. Criteria: ACMG Guidelines, 2015. Collection method: clinical testing. Allele origin: germline.
Comment: The KCTD7 c.670C>T variant is predicted to result in the amino acid substitution p.His224Tyr. To our knowledge, this variant has not been reported in the literature. This variant is reported in 0.0040% of alleles in individuals of African descent in gnomAD. At this time, the clinical significance of this variant is uncertain due to the absence of conclusive functional and genetic evidence.